The following is an entry in ClinVar:

NM_007078.3(LDB3):c.859+20G>A

Gene: LDB3 (LIM domain binding 3; plus strand). Cytogenetic location: 10q23.2.
Variant type: single nucleotide variant.
Coding change: c.859+20G>A on transcript NM_007078.3 (MANE Select); 20 bases into the intron after coding-DNA position 859, G replaced by A.
Molecular consequence: intron variant.
Genome position (GRCh38, 1-based): chr10:86,692,085, G>A. VCF-style: chr10-86692085-G-A. GRCh37 (hg19) VCF-style: chr10-88451842-G-A.
Other names: c.859+20G>A (NM_001368064.1, NM_001368063.1, NM_001368065.1 and 1 more transcripts); c.718+20G>A (NM_001368068.1, NM_001368066.1, NM_001080114.2 and 2 more transcripts); c.1063+20G>A (NM_001171610.2, NM_001171611.2).
Identifiers: ClinVar variation 2893823 (VCV002893823.3), dbSNP rs1195062605, ClinGen allele CA669460559.
Genomic context (GRCh38, chr10:86,692,085, plus strand): 5'-CTCCTTCCGCATCCTGGCCCAGATGACGGGGACAGAATTCAGTGAGTGCAGGCTCTCAGG[G>A]TGGCTGCAGAGGAGGGAGATGCTGAGGGGCCACCAGGGACCTGGGCCCAGCACTGCAGAA-3'

ClinVar aggregate classification (germline): Uncertain significance (1 of 4 stars; one submission).

Conditions:
Myofibrillar myopathy 4. Also called: Zaspopathy (type). Identifiers: Orphanet 98912, MedGen C4721886, MONDO:0012277, OMIM 609452.

Submission:

Labcorp Genetics (formerly Invitae), Labcorp
Classification: Uncertain significance for Myofibrillar myopathy 4. Last evaluated: 2023-10-03. Review status: criteria provided, single submitter. Criteria: Invitae Variant Classification Sherloc (09022015). Collection method: clinical testing. Allele origin: germline.
Comment: This sequence change falls in intron 6 of the LDB3 gene. It does not directly change the encoded amino acid sequence of the LDB3 protein. This variant is not present in population databases (gnomAD no frequency). This variant has not been reported in the literature in individuals affected with LDB3-related conditions. Algorithms developed to predict the effect of sequence changes on RNA splicing suggest that this variant may create or strengthen a splice site. In summary, the available evidence is currently insufficient to determine the role of this variant in disease. Therefore, it has been classified as a Variant of Uncertain Significance.